The following is an entry in ClinVar:

ClinVar aggregate classification (germline): Uncertain significance. Review status: criteria provided, multiple submitters, no conflicts (2 of 4 stars). 3 submissions from 3 submitters: Uncertain significance (3). Last evaluated 2025-04-21.

Conditions:
Inborn genetic diseases. Identifiers: MedGen C0950123, MeSH D030342.
MOGS-congenital disorder of glycosylation. Also called: CDG IIb; MOGS-CDG; GLUCOSIDASE I DEFICIENCY; CDG 2B. Identifiers: Orphanet 79330, MedGen C1853736, MONDO:0011629, OMIM 606056.

Allele frequency attached by ClinVar (database versions not stated): gnomAD exomes 0.00006 and 0.00031; ExAC 0.00007; ESP Exome Variant Server 0.00008; gnomAD 0.00014 and 0.00017; TOPMed 0.00017.
gnomAD v4.1: 470 of 1,614,052 alleles (0.029%); highest among the groups gnomAD compares: Non-Finnish European, 0.038%; no homozygotes.

Submissions (3):

Ambry Genetics
Classification: Uncertain significance for Inborn genetic diseases. Last evaluated: 2025-04-21. Review status: criteria provided, single submitter. Criteria: Ambry Variant Classification Scheme 2023. Collection method: clinical testing. Allele origin: germline.

Labcorp Genetics (formerly Invitae), Labcorp
Classification: Uncertain significance for MOGS-congenital disorder of glycosylation. Last evaluated: 2025-01-13. Review status: criteria provided, single submitter. Criteria: Invitae Variant Classification Sherloc (09022015). Collection method: clinical testing. Allele origin: germline.
Comment: This sequence change replaces arginine, which is basic and polar, with histidine, which is basic and polar, at codon 609 of the MOGS protein (p.Arg609His). This variant is present in population databases (rs377287243, gnomAD 0.02%). This variant has not been reported in the literature in individuals affected with MOGS-related conditions. ClinVar contains an entry for this variant (Variation ID: 626140). Invitae Evidence Modeling of protein sequence and biophysical properties (such as structural, functional, and spatial information, amino acid conservation, physicochemical variation, residue mobility, and thermodynamic stability) indicates that this missense variant is not expected to disrupt MOGS protein function with a negative predictive value of 80%. In summary, the available evidence is currently insufficient to determine the role of this variant in disease. Therefore, it has been classified as a Variant of Uncertain Significance.

Center for Genomics, Ann and Robert H. Lurie Children's Hospital of Chicago
Classification: Uncertain significance for MOGS-congenital disorder of glycosylation. Last evaluated: 2021-03-30. Review status: criteria provided, single submitter. Criteria: ACMG Guidelines, 2015. Collection method: clinical testing. Allele origin: germline.
Comment: MOGS NM_006302 exon 4 p.Arg609His (c.1826G>A): This variant has not been reported in the literature but is present in 5/24020 African alleles in the Genome Aggregation Database. Evolutionary conservation and computational predictive tools for this variant are unclear. In summary, data on this variant is insufficient for disease classification. Therefore, the clinical significance of this variant is uncertain.

NM_006302.3(MOGS):c.1826G>A (p.Arg609His)

Gene: MOGS (mannosyl-oligosaccharide glucosidase; minus strand). Cytogenetic location: 2p13.1.
Variant type: single nucleotide variant.
Coding change: c.1826G>A on transcript NM_006302.3 (MANE Select); coding-DNA position 1826, G replaced by A.
Protein change: p.Arg609His; replaces arginine 609 with histidine.
Molecular consequence: missense variant.
Genome position (GRCh38, 1-based): chr2:74,461,963, C>T on the plus strand (G>A on the coding strand, the complement: MOGS is on the minus strand). VCF-style: chr2-74461963-C-T. GRCh37 (hg19) VCF-style: chr2-74689090-C-T.
Other names: c.1826G>A, p.Arg609His (LRG_1226t1); c.1508G>A, p.Arg503His (NM_001146158.2); short protein forms R609H, R503H.
Identifiers: ClinVar variation 626140 (VCV000626140.9), dbSNP rs377287243, ClinGen allele CA1724711.